The following is an entry in ClinVar:

NM_005379.4(MYO1A):c.2055+82G>C

Gene: MYO1A (myosin IA; minus strand). Cytogenetic location: 12q13.3.
Variant type: single nucleotide variant.
Coding change: c.2055+82G>C on transcript NM_005379.4 (MANE Select); 82 bases into the intron after coding-DNA position 2055, G replaced by C.
Molecular consequence: intron variant.
Genome position (GRCh38, 1-based): chr12:57,037,466, C>G on the plus strand (G>C on the coding strand, the complement: MYO1A is on the minus strand). VCF-style: chr12-57037466-C-G. GRCh37 (hg19) VCF-style: chr12-57431250-C-G.
Other names: c.2055+82G>C (NM_001256041.2).
Identifiers: ClinVar variation 683283 (VCV000683283.2), dbSNP rs141346283, ClinGen allele CA237699370.

ClinVar aggregate classification (germline): Likely benign. Review status: criteria provided, multiple submitters, no conflicts (2 of 4 stars). 2 submissions from 2 submitters: Likely benign (2). Last evaluated 2018-06-16.

Allele frequency attached by ClinVar (database versions not stated): 1000 Genomes Project 0.00459; 1000 Genomes Project 30x 0.00515; TOPMed 0.00893; gnomAD 0.01598.
gnomAD v4.1: 17,970 of 1,220,290 alleles (1.5%); highest among the groups gnomAD compares: Non-Finnish European, 1.8%; 178 homozygotes.

Submissions (2):

GeneDx
Classification: Likely benign. Last evaluated: 2018-06-16. Review status: criteria provided, single submitter. Criteria: GeneDx Variant Classification (06012015). Collection method: clinical testing. Allele origin: germline. Affected: yes.
Comment: This variant is considered likely benign or benign based on one or more of the following criteria: it is a conservative change, it occurs at a poorly conserved position in the protein, it is predicted to be benign by multiple in silico algorithms, and/or has population frequency not consistent with disease.

Breakthrough Genomics
Classification: Likely benign. Review status: criteria provided, single submitter. Criteria: ACMG Guidelines, 2015. Collection method: not provided. Allele origin: germline. Inheritance: Unknown mechanism. Affected: yes.